The following is an entry in ClinVar:

NM_001003787.4(STRADA):c.37-3T>C

Gene: STRADA (STE20 related adaptor alpha; minus strand). Cytogenetic location: 17q23.3.
Variant type: single nucleotide variant.
Coding change: c.37-3T>C on transcript NM_001003787.4 (MANE Select); 3 bases into the intron before coding-DNA position 37, T replaced by C.
Molecular consequence: intron variant.
Genome position (GRCh38, 1-based): chr17:63,726,698, A>G on the plus strand (T>C on the coding strand, the complement: STRADA is on the minus strand). VCF-style: chr17-63726698-A-G. GRCh37 (hg19) VCF-style: chr17-61804058-A-G.
Other names: c.12+1660T>C (NM_001363789.1, NM_001003786.3, NM_153335.6); c.-109-3T>C (NM_001363790.1, NM_001363791.1, NM_001003788.3); c.13-3T>C (NM_001363786.1); c.36+1636T>C (NM_001165969.2, NM_001363787.1); c.37-3T>C (NM_001165970.2, NM_001363788.1).
Identifiers: ClinVar variation 963522 (VCV000963522.7), dbSNP rs200700038, ClinGen allele CA8703533.

ClinVar aggregate classification (germline): Uncertain significance. Review status: criteria provided, single submitter (1 of 4 stars). 2 submissions from 2 submitters: Uncertain significance (1). 1 of the submissions does not count toward it. Last evaluated 2022-10-18.

Conditions:
STRADA-related disorder. Also called: STRADA-related condition.
Polyhydramnios, megalencephaly, and symptomatic epilepsy (PMSE). Also called: PMSE SYNDROME. Identifiers: Orphanet 500533, MedGen C1970203, MONDO:0012611, OMIM 611087.

Allele frequency attached by ClinVar (database versions not stated): gnomAD exomes 0.00002 and 0.00003; ExAC 0.00005; TOPMed 0.00006; ESP Exome Variant Server 0.00008; gnomAD 0.00009; 1000 Genomes Project 30x 0.00016; 1000 Genomes Project 0.00020.
gnomAD v4.1: 56 of 1,614,100 alleles (0.0035%); highest among the groups gnomAD compares: African/African-American, 0.053%; no homozygotes.

Submissions (2):

Labcorp Genetics (formerly Invitae), Labcorp
Classification: Uncertain significance for Polyhydramnios, megalencephaly, and symptomatic epilepsy. Last evaluated: 2022-10-18. Review status: criteria provided, single submitter. Criteria: Invitae Variant Classification Sherloc (09022015). Collection method: clinical testing. Allele origin: germline.
Comment: This sequence change falls in intron 2 of the STRADA gene. It does not directly change the encoded amino acid sequence of the STRADA protein. It affects a nucleotide within the consensus splice site. This variant is present in population databases (rs200700038, gnomAD 0.06%). This variant has not been reported in the literature in individuals affected with STRADA-related conditions. ClinVar contains an entry for this variant (Variation ID: 963522). Variants that disrupt the consensus splice site are a relatively common cause of aberrant splicing (PMID: 17576681, 9536098). Algorithms developed to predict the effect of sequence changes on RNA splicing suggest that this variant is not likely to affect RNA splicing. In summary, the available evidence is currently insufficient to determine the role of this variant in disease. Therefore, it has been classified as a Variant of Uncertain Significance.

PreventionGenetics, part of Exact Sciences
Classification: Likely benign for STRADA-related condition. Last evaluated: 2019-04-02. Review status: no assertion criteria provided. Collection method: clinical testing. Allele origin: germline. Not counted in ClinVar's aggregate classification.
Comment: This variant is classified as likely benign based on ACMG/AMP sequence variant interpretation guidelines (Richards et al. 2015 PMID: 25741868, with internal and published modifications).

Literature cited by the submitters: PubMed 17576681 (cited by Labcorp Genetics (formerly Invitae), Labcorp); PubMed 9536098 (cited by Labcorp Genetics (formerly Invitae), Labcorp).